The following is an entry in ClinVar:

ClinVar aggregate classification (germline): Uncertain significance (1 of 4 stars; one submission).

Submission:

Labcorp Genetics (formerly Invitae), Labcorp
Classification: Uncertain significance. Last evaluated: 2023-04-28. Review status: criteria provided, single submitter. Criteria: Invitae Variant Classification Sherloc (09022015). Collection method: clinical testing. Allele origin: germline.
Comment: This variant has not been reported in the literature in individuals affected with CTNNA1-related conditions. In summary, the available evidence is currently insufficient to determine the role of this variant in disease. Therefore, it has been classified as a Variant of Uncertain Significance. Advanced modeling of protein sequence and biophysical properties (such as structural, functional, and spatial information, amino acid conservation, physicochemical variation, residue mobility, and thermodynamic stability) performed at Invitae indicates that this missense variant is expected to disrupt CTNNA1 protein function. This variant is not present in population databases (gnomAD no frequency). This sequence change replaces aspartic acid, which is acidic and polar, with histidine, which is basic and polar, at codon 14 of the CTNNA1 protein (p.Asp14His).

NM_001903.5(CTNNA1):c.40G>C (p.Asp14His)

Gene: CTNNA1 (catenin alpha 1; plus strand). Cytogenetic location: 5q31.2.
Variant type: single nucleotide variant.
Coding change: c.40G>C on transcript NM_001903.5 (MANE Select); coding-DNA position 40, G replaced by C.
Protein change: p.Asp14His; replaces aspartic acid 14 with histidine.
Molecular consequence: missense variant. On other transcripts: 5 prime UTR variant (2).
Genome position (GRCh38, 1-based): chr5:138,781,964, G>C. VCF-style: chr5-138781964-G-C. GRCh37 (hg19) VCF-style: chr5-138117653-G-C.
Other names: c.40G>C, p.Asp14His (NM_001290307.3, NM_001323982.2, NM_001323983.1 and 3 more transcripts); c.-74G>C (NM_001290309.3); c.-167G>C (NM_001290310.3); short protein forms D14H.
Identifiers: ClinVar variation 2801259 (VCV002801259.3), dbSNP rs2532170468, ClinGen allele CA361477107.